The following is an entry in ClinVar:

ClinVar aggregate classification (germline): Pathogenic (1 of 4 stars; one submission).

Submission:

Labcorp Genetics (formerly Invitae), Labcorp
Classification: Pathogenic. Last evaluated: 2022-02-21. Review status: criteria provided, single submitter. Criteria: Invitae Variant Classification Sherloc (09022015). Collection method: clinical testing. Allele origin: germline.
Comment: For these reasons, this variant has been classified as Pathogenic. This premature translational stop signal has been observed in individual(s) with primary hyperoxaluria (PMID: 25629080, 31685312). This variant is present in population databases (no rsID available, gnomAD 0.003%). This sequence change creates a premature translational stop signal (p.Trp34*) in the GRHPR gene. It is expected to result in an absent or disrupted protein product. Loss-of-function variants in GRHPR are known to be pathogenic (PMID: 25644115).

Literature cited by the submitters: PubMed 25629080; PubMed 31685312; PubMed 25644115.

NM_012203.2(GRHPR):c.102_112del (p.Trp34_Glu38delinsTer)

Gene: GRHPR (glyoxylate and hydroxypyruvate reductase; plus strand). Cytogenetic location: 9p13.2.
Variant type: Deletion.
Coding change: c.102_112del on transcript NM_012203.2 (MANE Select); coding-DNA positions 102 to 112, 11 bases deleted (GGACTCGGATG).
Protein change: p.Trp34_Glu38delinsTer.
Molecular consequence: nonsense.
Genome position (GRCh38, 1-based): chr9:37,424,863-37,424,873, GGACTCGGATG deleted; deleting any 11 consecutive bases within chr9:37,424,861-37,424,873 gives the same sequence; the c. name uses the placement nearest the transcript's 3' end. VCF-style (leftmost placement, unchanged base first): chr9-37424860-GTGGGACTCGGA-G. GRCh37 (hg19) VCF-style: chr9-37424857-GTGGGACTCGGA-G.
Identifiers: ClinVar variation 2101269 (VCV002101269.6), dbSNP rs1489915753, ClinGen allele CA587803520.
Genomic context (GRCh38, chr9:37,424,860, plus strand): 5'-GGTGTGCGGCTCCTGCTTCTCCTGAGGGCCTCCCTTTCCCCGCAGCTGTGAGGTGGAGCA[GTGGGACTCGGA>G]TGAGCCCATCCCTGCCAAGGAGCTAGAGCGAGGTGTGGCGGGGGCCCACGGCCTGCTCTG-3'